The following is an entry in ClinVar:

ClinVar aggregate classification (germline): Pathogenic. Review status: reviewed by expert panel (3 of 4 stars). 19 submissions from 19 submitters: Pathogenic (1). 18 of the submissions do not count toward it. Last evaluated 2015-08-10.

Conditions:
Hereditary cancer-predisposing syndrome. Also called: Neoplastic Syndromes, Hereditary; Tumor predisposition; Hereditary Cancer Syndrome; Hereditary neoplastic syndrome. Identifiers: Orphanet 140162, MedGen C0027672, MeSH D009386, MONDO:0015356.
Hereditary breast ovarian cancer syndrome. Also called: Hereditary breast and ovarian cancer; Breast and ovarian cancer; Hereditary breast and/or ovarian cancer syndrome; Hereditary breast and ovarian cancer syndrome (HBOC); Hereditary breast and ovarian cancer syndrome; BRCA1- and BRCA2-Associated Hereditary Breast and Ovarian Cancer. Identifiers: Orphanet 145, MedGen C0677776, MeSH D061325, MONDO:0003582. Disease mechanism: loss of function.
Breast-ovarian cancer, familial, susceptibility to, 2 (BROVCA2). Also called: BRCA2 Hereditary Breast and Ovarian Cancer. Identifiers: Orphanet 145, MedGen C2675520, MONDO:0012933, OMIM 612555. Disease mechanism: loss of function.
Familial cancer of breast. Also called: BREAST CANCER, FAMILIAL; Hereditary breast cancer; hereditary breast carcinoma. Identifiers: Orphanet 227535, MedGen C0346153, MONDO:0016419, OMIM 114480. Disease mechanism: loss of function.

gnomAD v4.1: 1 of 1,612,074 alleles (0.000062%); highest among the groups gnomAD compares: Non-Finnish European, 0.000085%; no homozygotes.

Submissions 1 to 8 of 20:

Evidence-based Network for the Interpretation of Germline Mutant Alleles (ENIGMA)
Classification: Pathogenic for Breast-ovarian cancer, familial 2. Last evaluated: 2015-08-10. Review status: reviewed by expert panel. Criteria: ENIGMA BRCA1/2 Classification Criteria (2015). Collection method: curation. Allele origin: germline.
Comment: IARC class based on posterior probability from multifactorial likelihood analysis, thresholds for class as per Plon et al. 2008 (PMID: 18951446). Class 5 based on posterior probability = 1

Color Diagnostics, LLC DBA Color Health
Classification: Pathogenic for Hereditary cancer-predisposing syndrome. Last evaluated: 2025-10-21. Review status: criteria provided, single submitter. Criteria: ACMG Guidelines, 2015. Collection method: clinical testing. Allele origin: germline. Not counted in ClinVar's aggregate classification.
Comment: This variant causes a G to T nucleotide substitution at the +1 position of intron 22 of the BRCA2 gene. RNA studies have shown that this variant causes out-of-frame splicing, resulting in premature termination (PMID: 21394826, 25382762). This variant is expected to result in an absent or non-functional protein product. A functional study that incorporates RNA splicing has reported that this variant impacted BRCA2 in a haploid cell proliferation assay (PMID: 39779857). This variant has been reported in at least ten individuals affected with breast or ovarian cancer (PMID: 29164420, 32022259, 32939053Color internal data), two individuals affected with prostate cancer (PMID: 26360800, 36045058) and suspected hereditary cancer families (PMID: 21394826, 31209999). Multifactorial analysis reached a combined likelihood ratio (LR) of 0.502 based on personal and family history for 2 carriers (PMID: 31853058). This variant has not been identified in the general population by the Genome Aggregation Database (gnomAD). Loss of BRCA2 function is a known mechanism of disease. Based on the available evidence, this variant is classified as Pathogenic.

Ambry Genetics
Classification: Pathogenic for Hereditary cancer-predisposing syndrome. Last evaluated: 2025-08-08. Review status: criteria provided, single submitter. Criteria: Ambry Variant Classification Scheme 2023. Collection method: clinical testing. Allele origin: germline. Not counted in ClinVar's aggregate classification.
Comment: The c.8953+1G>T intronic pathogenic mutation results from a G to T substitution one nucleotide after coding exon 21 of the BRCA2 gene. Multiple RNA studies with patient material and with a minigene assay have identified skipping of coding exon 21 (also known as Exon 22 in the literature) as the major event produced by this alteration (Ambry internal data; Acedo A et al. Hum Mutat, 2015 Feb;36:210-21; Whiley P et al. Hum Mutat. 2011 Jun;32(6):678-87). This alteration has been classified as pathogenic (p>0.96) by multifactorial analysis, which integrates the following lines of evidence to produce a quantitative likelihood of pathogenicity: in silico prediction models, segregation with disease, tumor characteristics, mutation co-occurrence, and functional assay results (Lindor NM et al. Hum Mutat. 2012;33(1):8-21). This variant is considered to be rare based on population cohorts in the Genome Aggregation Database (gnomAD). This nucleotide position is highly conserved in available vertebrate species. Alterations that disrupt the canonical splice site are expected to cause aberrant splicing, resulting in an abnormal protein or a transcript that is subject to nonsense-mediated mRNA decay. As such, this alteration is classified as a disease-causing mutation.

Labcorp Genetics (formerly Invitae), Labcorp
Classification: Pathogenic for Hereditary breast ovarian cancer syndrome. Last evaluated: 2025-05-12. Review status: criteria provided, single submitter. Criteria: Invitae Variant Classification Sherloc (09022015). Collection method: clinical testing. Allele origin: germline. Not counted in ClinVar's aggregate classification.
Comment: This sequence change affects a donor splice site in intron 22 of the BRCA2 gene. RNA analysis indicates that disruption of this splice site induces altered splicing and may result in an absent or altered protein product. This variant is not present in population databases (gnomAD no frequency). Disruption of this splice site has been observed in individual(s) with breast cancer (PMID: 2010458, 21394826, 26187060). This variant is also known as 9181+1G>T and IVS22+1G>T. ClinVar contains an entry for this variant (Variation ID: 38198). An algorithm developed specifically for the BRCA2 gene suggests that this missense change is likely to be deleterious (PMID: 21990134). Studies have shown that disruption of this splice site results in skipping of exon 22 and activation of a cryptic splice site, which introduces a premature termination codon (PMID: 21394826; internal data). The resulting mRNA is expected to undergo nonsense-mediated decay. For these reasons, this variant has been classified as Pathogenic.

CeGaT Center for Human Genetics Tuebingen
Classification: Pathogenic. Last evaluated: 2024-07-01. Review status: criteria provided, single submitter. Criteria: CeGaT Center For Human Genetics Tuebingen Variant Classification Criteria Version 2. Collection method: clinical testing. Allele origin: germline. Affected: yes. Observed: 4 variant alleles. Not counted in ClinVar's aggregate classification.
Comment: BRCA2: PVS1, PM2

Department of Clinical Genetics, Copenhagen University Hospital, Rigshospitalet
Classification: Pathogenic for Breast-ovarian cancer, familial, susceptibility to, 2. Last evaluated: 2024-05-27. Review status: criteria provided, single submitter. Criteria: ACMG Guidelines, 2015. Collection method: clinical testing. Allele origin: germline. Affected: yes. Not counted in ClinVar's aggregate classification.
Comment: PVS1 (RNA); PM2_Supporting; PP4strong

Quest Diagnostics Nichols Institute San Juan Capistrano
Classification: Pathogenic. Last evaluated: 2024-04-30. Review status: criteria provided, single submitter. Criteria: Quest Diagnostics criteria. Collection method: clinical testing. Allele origin: unknown. Not counted in ClinVar's aggregate classification.
Comment: The BRCA2 c.8953+1G>T variant disrupts a canonical splice-donor site and interferes with normal BRCA2 mRNA splicing. This variant has been reported in the published literature in individuals with prostate cancer (PMID: 26360800 (2016), 36045058 (2023)) and breast and/or ovarian cancer (PMID: 20104584 (2010), 26004055 (2016), 32022259 (2020), 32939053 (2020)). In vitro splicing assays demonstrated that this variant results in aberrant BRCA2 mRNA splicing (PMID: 21394826 (2011) and 25382762 (2015)). This variant has not been reported in large, multi-ethnic general populations (Genome Aggregation Database). Based on the available information, this variant is classified as pathogenic.

All of Us Research Program, National Institutes of Health
Classification: Pathogenic for Breast-ovarian cancer, familial, susceptibility to, 2. Last evaluated: 2023-11-16. Review status: criteria provided, single submitter. Criteria: ACMG Guidelines, 2015. Collection method: clinical testing. Allele origin: germline. Inheritance: Autosomal dominant inheritance. Observed: 1 variant allele, 1 heterozygote. Not counted in ClinVar's aggregate classification.
Comment: The c.8953+1G>T variant in the BRCA2 gene is located at the canonical splice site of intron 22 and is predicted to inflict donor loss (SpliceAI delta score: 0.99), resulting in aberrant splicing and disrupted protein product. The variant has been reported in multiple individuals with breast/ovarian/prostate cancer (PMID: 31209999, 32022259, 32614418, 21394826, 36045058, 18465347). Functional minigene splicing assay and RNA analysis showed aberrant transcripts and negative functional impact (PMID: 25382762, 21394826). Loss-of-function variants of BRCA2 are known to be pathogenic (PMID: 8988179, 11897832, 29446198). The variant is reported in ClinVar as pathogenic (ID: 38198) and reviewed by the expert panel. The variant is absent in the general population database (gnomAD). Therefore, the c.8953+1G>T variant of BRCA2 has been classified as pathogenic.

This study involves interpretation of variants in research participants for the purpose of population health screening. Participant phenotype was not available at the time of variant classification. Additional details can be found in publication PMID: 35346344, PMCID: PMC8962531

NM_000059.4(BRCA2):c.8953+1G>T

Gene: BRCA2 (BRCA2 DNA repair associated; plus strand). Cytogenetic location: 13q13.1.
Variant type: single nucleotide variant.
Coding change: c.8953+1G>T on transcript NM_000059.4 (MANE Select); the canonical splice donor site of the intron after coding-DNA position 8953, G replaced by T.
Molecular consequence: splice donor variant.
Genome position (GRCh38, 1-based): chr13:32,379,516, G>T. VCF-style: chr13-32379516-G-T. GRCh37 (hg19) VCF-style: chr13-32953653-G-T.
Other names: IVS22+1 G>T; IVS22+1G>T; c.8953+1G>T (NM_001406720.1); c.8857+1G>T (NM_001406719.1); c.4021+1G>T (NM_001406721.1); c.2536+1G>T (NM_001406722.1).
Identifiers: ClinVar variation 38198 (VCV000038198.69), dbSNP rs81002882, ClinGen allele CA025890.